The following is an entry in ClinVar:

NM_005215.4(DCC):c.851C>T (p.Ser284Phe)

Gene: DCC (DCC netrin 1 receptor; plus strand). Cytogenetic location: 18q21.2.
Variant type: single nucleotide variant.
Coding change: c.851C>T on transcript NM_005215.4 (MANE Select); coding-DNA position 851, C replaced by T.
Protein change: p.Ser284Phe; replaces serine 284 with phenylalanine.
Molecular consequence: missense variant.
Genome position (GRCh38, 1-based): chr18:52,925,236, C>T. VCF-style: chr18-52925236-C-T. GRCh37 (hg19) VCF-style: chr18-50451606-C-T.
Other names: short protein forms S284F.
Identifiers: ClinVar variation 3359795 (VCV003359795.1).

ClinVar aggregate classification (germline): Uncertain significance (1 of 4 stars; one submission).

gnomAD v4.1: 8 of 1,611,856 alleles (0.0005%); highest among the groups gnomAD compares: Admixed American, 0.013%; no homozygotes.

Submission:

GeneDx
Classification: Uncertain significance. Last evaluated: 2023-06-15. Review status: criteria provided, single submitter. Criteria: GeneDx Variant Classification Process June 2021. Collection method: clinical testing. Allele origin: germline. Affected: yes.
Comment: Has not been previously published as pathogenic or benign to our knowledge; In silico analysis supports that this missense variant has a deleterious effect on protein structure/function